The following is an entry in ClinVar:

NM_206933.4(USH2A):c.1803del (p.Gly602fs)

Gene: USH2A (usherin; minus strand). Cytogenetic location: 1q41.
Variant type: Deletion.
Coding change: c.1803del on transcript NM_206933.4 (MANE Select); coding-DNA position 1803, one base deleted (A; older notation c.1803delA).
Protein change: p.Gly602fs; shifts the reading frame from glycine 602.
Molecular consequence: frameshift variant.
Genome position (GRCh38, 1-based): chr1:216,292,212, T deleted on the plus strand (A on the coding strand, the reverse complement: USH2A is on the minus strand). VCF-style (leftmost placement, unchanged base first): chr1-216292211-CT-C. GRCh37 (hg19) VCF-style: chr1-216465553-CT-C.
Other names: c.1803del, p.Gly602fs (NM_007123.6); short protein forms G602fs.
Identifiers: ClinVar variation 503555 (VCV000503555.5), dbSNP rs1553327452, ClinGen allele CA658795193.

ClinVar aggregate classification (germline): Pathogenic. Review status: criteria provided, multiple submitters, no conflicts (2 of 4 stars). 2 submissions from 2 submitters: Pathogenic (2). Last evaluated 2019-08-16.

Conditions:
USH2A-related disorder. Also called: USH2A-related condition; USH2A-related disorders. Identifiers: MedGen CN239332.
Usher syndrome. Also called: Usher's syndrome; Usher Syndromes. Identifiers: Orphanet 886, MedGen CN469326, MeSH D052245, MONDO:0019501. Disease mechanism: loss of function.

Submissions (2):

Blueprint Genetics
Classification: Pathogenic for USH2A-related disorders. Last evaluated: 2019-08-16. Review status: criteria provided, single submitter. Criteria: ACMG Guidelines, 2015. Collection method: clinical testing. Allele origin: germline. Affected: yes. Observed: 1 variant allele.

Laboratory for Molecular Medicine, Mass General Brigham Personalized Medicine
Classification: Pathogenic for Usher syndrome. Last evaluated: 2018-03-07. Review status: criteria provided, single submitter. Criteria: LMM Criteria. Collection method: clinical testing. Allele origin: germline. Inheritance: Autosomal recessive inheritance.
Comment: It was absent from large population studies. This variant is predicted to cause a frameshift, which alters the protein's amino acid sequence beginning at position 602 and leads to a premature termination codon 34 amino acids downstream. This alteration is then predicted to lead to a truncated or absent protein. Loss of function of the USH2A gene is an established disease mechanism in Usher syndrome. In summary, this variant meets criteria to be classified as pathogenic for autosomal recessive Usher syndrome. ACMG/AMP Criteria applied: PVS1; PM2, PM3.